The following is an entry in ClinVar:

NM_005732.4(RAD50):c.43T>G (p.Phe15Val)

Gene: RAD50 (RAD50 double strand break repair protein; plus strand). Cytogenetic location: 5q31.1.
Variant type: single nucleotide variant.
Coding change: c.43T>G on transcript NM_005732.4 (MANE Select); coding-DNA position 43, T replaced by G.
Protein change: p.Phe15Val; replaces phenylalanine 15 with valine.
Molecular consequence: missense variant.
Genome position (GRCh38, 1-based): chr5:132,557,367, T>G. VCF-style: chr5-132557367-T-G. GRCh37 (hg19) VCF-style: chr5-131893059-T-G.
Other names: short protein forms F15V.
Identifiers: ClinVar variation 1740326 (VCV001740326.2), dbSNP rs2479573926, ClinGen allele CA360950986.
Genomic context (GRCh38, chr5:132,557,367, plus strand): 5'-TTAGAAACGTTTGCAAACATGTCCCGGATCGAAAAGATGAGCATTCTGGGCGTGCGGAGT[T>G]TTGGAATAGAGGACAAAGATAAGCAAATTATCACTTTCTTCAGCCCCCTTACAATTTTGG-3'
Protein context (NP_005723.2, residues 5-25): EKMSILGVRS[Phe15Val]GIEDKDKQII

ClinVar aggregate classification (germline): Uncertain significance (1 of 4 stars; one submission).

Conditions:
Hereditary cancer-predisposing syndrome. Also called: Hereditary Cancer Syndrome; Hereditary neoplastic syndrome; Neoplastic Syndromes, Hereditary; Tumor predisposition. Identifiers: Orphanet 140162, MedGen C0027672, MeSH D009386, MONDO:0015356.

Submission:

Ambry Genetics
Classification: Uncertain significance for Hereditary cancer-predisposing syndrome. Last evaluated: 2022-09-25. Review status: criteria provided, single submitter. Criteria: Ambry Variant Classification Scheme 2023. Collection method: clinical testing. Allele origin: germline.
Comment: The p.F15V variant (also known as c.43T>G), located in coding exon 1 of the RAD50 gene, results from a T to G substitution at nucleotide position 43. The phenylalanine at codon 15 is replaced by valine, an amino acid with highly similar properties. This amino acid position is conserved. In addition, this alteration is predicted to be deleterious by in silico analysis. Since supporting evidence is limited at this time, the clinical significance of this alteration remains unclear.